The following is an entry in ClinVar:

NM_001042681.2(RERE):c.2164G>A (p.Glu722Lys)

Gene: RERE (arginine-glutamic acid dipeptide repeats; minus strand). Cytogenetic location: 1p36.23.
Variant type: single nucleotide variant.
Coding change: c.2164G>A on transcript NM_001042681.2 (MANE Select); coding-DNA position 2164, G replaced by A.
Protein change: p.Glu722Lys; replaces glutamic acid 722 with lysine.
Molecular consequence: missense variant.
Genome position (GRCh38, 1-based): chr1:8,361,343, C>T on the plus strand (G>A on the coding strand, the complement: RERE is on the minus strand). VCF-style: chr1-8361343-C-T. GRCh37 (hg19) VCF-style: chr1-8421403-C-T.
Other names: c.502G>A, p.Glu168Lys (NM_001042682.2); c.2164G>A, p.Glu722Lys (NM_012102.4); short protein forms E168K, E722K.
Identifiers: ClinVar variation 2502769 (VCV002502769.1), dbSNP rs2522721372, ClinGen allele CA338173139.
Genomic context (GRCh38, chr1:8,361,343, plus strand): 5'-GCAAGGCTGGGGGCTGGGCCTGCAGCATCTGCTGCTGGGCTGACGAGTCCGAGTCACTCT[C>T]ATTGTCCTGGGGGCTGGGGATGCTCGGGGACGTGCTGCGATTGTCCTGGTCGATGTCTTT-3'
Protein context (NP_001036146.1, residues 712-732): SPSIPSPQDN[Glu722Lys]SDSDSSAQQQ

ClinVar aggregate classification (germline): Uncertain significance (1 of 4 stars; one submission).

Submission:

GeneDx
Classification: Uncertain significance. Last evaluated: 2022-11-18. Review status: criteria provided, single submitter. Criteria: GeneDx Variant Classification Process June 2021. Collection method: clinical testing. Allele origin: germline. Affected: yes.
Comment: Not observed at significant frequency in large population cohorts (gnomAD); In silico analysis supports that this missense variant has a deleterious effect on protein structure/function; Has not been previously published as pathogenic or benign to our knowledge